The following is an entry in ClinVar:

ClinVar aggregate classification (germline): Uncertain significance (1 of 4 stars; one submission).

Allele frequency attached by ClinVar (database versions not stated): gnomAD 0.00002; TOPMed 0.00003; ESP Exome Variant Server 0.00008.
gnomAD v4.1: 7 of 1,606,466 alleles (0.00044%); highest among the groups gnomAD compares: African/African-American, 0.0054%; no homozygotes.

Submission:

Labcorp Genetics (formerly Invitae), Labcorp
Classification: Uncertain significance. Last evaluated: 2022-06-30. Review status: criteria provided, single submitter. Criteria: Invitae Variant Classification Sherloc (09022015). Collection method: clinical testing. Allele origin: germline.
Comment: This sequence change replaces glycine, which is neutral and non-polar, with serine, which is neutral and polar, at codon 323 of the PEPD protein (p.Gly323Ser). This variant also falls at the last nucleotide of exon 12, which is part of the consensus splice site for this exon. This variant is present in population databases (rs375919385, gnomAD 0.01%). In summary, the available evidence is currently insufficient to determine the role of this variant in disease. Therefore, it has been classified as a Variant of Uncertain Significance. Variants that disrupt the consensus splice site are a relatively common cause of aberrant splicing (PMID: 17576681, 9536098). Algorithms developed to predict the effect of missense changes on protein structure and function (SIFT, PolyPhen-2, Align-GVGD) all suggest that this variant is likely to be disruptive. This variant has not been reported in the literature in individuals affected with PEPD-related conditions.

Literature cited by the submitters: PubMed 17576681; PubMed 9536098.

NM_000285.4(PEPD):c.967G>A (p.Gly323Ser)

Gene: PEPD (peptidase D; minus strand). Cytogenetic location: 19q13.11.
Variant type: single nucleotide variant.
Coding change: c.967G>A on transcript NM_000285.4 (MANE Select); coding-DNA position 967, G replaced by A.
Protein change: p.Gly323Ser; replaces glycine 323 with serine.
Molecular consequence: missense variant.
Genome position (GRCh38, 1-based): chr19:33,401,721, C>T on the plus strand (G>A on the coding strand, the complement: PEPD is on the minus strand). VCF-style: chr19-33401721-C-T. GRCh37 (hg19) VCF-style: chr19-33892627-C-T.
Other names: c.844G>A, p.Gly282Ser (NM_001166056.2); c.775G>A, p.Gly259Ser (NM_001166057.2); short protein forms G259S, G282S, G323S.
Identifiers: ClinVar variation 2420362 (VCV002420362.6), dbSNP rs375919385, ClinGen allele CA9364066.
Genomic context (GRCh38, chr19:33,401,721, plus strand): 5'-ACATAGCAGCGCCCCCAACGCCACGTCAGATGCGCCTCCCCCCACCGACCCGCTGCTCAC[C>T]TGGCTTCATGGCACCCATGACGGCACGGGAGCTCCGCAGCACTGCCTCATAGACGGCCTT-3'
Protein context (NP_000276.2, residues 313-333): SRAVMGAMKP[Gly323Ser]VWWPDMHRLA